The following is an entry in ClinVar:

NM_001814.6(CTSC):c.394C>G (p.Arg132Gly)

Gene: CTSC (cathepsin C; minus strand). Cytogenetic location: 11q14.2.
Variant type: single nucleotide variant.
Coding change: c.394C>G on transcript NM_001814.6 (MANE Select); coding-DNA position 394, C replaced by G.
Protein change: p.Arg132Gly; replaces arginine 132 with glycine.
Molecular consequence: missense variant.
Genome position (GRCh38, 1-based): chr11:88,312,479, G>C on the plus strand (C>G on the coding strand, the complement: CTSC is on the minus strand). VCF-style: chr11-88312479-G-C. GRCh37 (hg19) VCF-style: chr11-88045647-G-C.
Other names: short protein forms R132G.
Identifiers: ClinVar variation 3768207 (VCV003768207.1).

ClinVar aggregate classification (germline): Likely pathogenic (1 of 4 stars; one submission).

Conditions:
Papillon-Lefèvre syndrome (PALS). Also called: KERATOSIS PALMOPLANTARIS WITH PERIODONTOPATHIA; Papillon-Lefevre Disease. Identifiers: Orphanet 678, MedGen C0030360, MONDO:0009490, OMIM 245000.

gnomAD v4.1: 2 of 1,614,074 alleles (0.00012%); highest among the groups gnomAD compares: Admixed American, 0.0017%; no homozygotes.

Submission:

Women's Health and Genetics/Laboratory Corporation of America, LabCorp
Classification: Likely pathogenic for Papillon-Lefèvre syndrome. Last evaluated: 2024-12-27. Review status: criteria provided, single submitter. Criteria: LabCorp Variant Classification Summary - May 2015. Collection method: clinical testing. Allele origin: germline.
Comment: Variant summary: CTSC c.394C>G (p.Arg132Gly) results in a non-conservative amino acid change located in the Cathepsin C exclusion domain (IPR014882) of the encoded protein sequence. Three of five in-silico tools predict a damaging effect of the variant on protein function. The variant was absent in 251364 control chromosomes (gnomAD). c.394C>G has been reported in the literature in homozygous twins patients affected with Papillon-Lefevre syndrome (Wang_2015, Hamon_2016). These data indicate that the variant is likely to be associated with disease. To our knowledge, no experimental evidence demonstrating an impact on protein function has been reported. The following publications have been ascertained in the context of this evaluation (PMID: 39164687, 26607765, 25497043). No submitters have cited clinical-significance assessments for this variant to ClinVar. Based on the evidence outlined above, the variant was classified as likely pathogenic.

Literature cited by the submitters: PubMed 39164687; PubMed 26607765; PubMed 25497043.